The following is an entry in ClinVar:

ClinVar aggregate classification (germline): Pathogenic (1 of 4 stars; one submission).

Conditions:
Cohen syndrome (COH1). Also called: PEPPER SYNDROME; Cutis verticis gyrata, retinitis pigmentosa, and sensorineural deafness. Identifiers: Orphanet 193, MedGen C0265223, MONDO:0008999, OMIM 216550.

Submission:

Labcorp Genetics (formerly Invitae), Labcorp
Classification: Pathogenic for Cohen syndrome. Last evaluated: 2022-03-14. Review status: criteria provided, single submitter. Criteria: Invitae Variant Classification Sherloc (09022015). Collection method: clinical testing. Allele origin: germline.
Comment: For these reasons, this variant has been classified as Pathogenic. The region of the VPS13B gene that includes exon(s) 20-21 has been determined to be clinically significant (PMID: 15141358, 16648375). Therefore, deletions that encompass that region are likely to be disease-causing. This variant has not been reported in the literature in individuals affected with VPS13B-related conditions. This variant is a gross deletion of the genomic region encompassing exon(s) 20-29 of the VPS13B gene. This variant would be expected to be in-frame, preserving the integrity of the reading frame.

Literature cited by the submitters: PubMed 15141358; PubMed 16648375.

NC_000008.10:g.(?_100396426)_(100523750_?)del

Gene: VPS13B (vacuolar protein sorting 13 homolog B; plus strand). Cytogenetic location: 8q22.2.
Variant type: Deletion.
Identifiers: ClinVar variation 1070733 (VCV001070733.8).